The following is an entry in ClinVar:

ClinVar aggregate classification (germline): Conflicting classifications of pathogenicity. Review status: criteria provided, conflicting classifications (1 of 4 stars). 2 submissions from 2 submitters: Uncertain significance (1); Benign (1). Last evaluated 2024-12-05.

Conditions:
X-linked Alport syndrome (ATS1). Also called: COL4A5-Related Nephropathy; NEPHROPATHY AND DEAFNESS, X-LINKED. Identifiers: Orphanet 63, Orphanet 88917, MedGen C4746986, MONDO:0010520, OMIM 301050.

Submissions (2):

3billion
Classification: Uncertain significance for X-linked Alport syndrome. Last evaluated: 2024-12-05. Review status: criteria provided, single submitter. Criteria: ACMG Guidelines, 2015. Collection method: clinical testing. Allele origin: germline. Affected: yes.
Comment: The variant is not observed in the gnomAD v4.1.0 dataset. Predicted Consequence/Location: Missense variant In silico tool predictions suggest damaging effect of the variant on gene or gene product [REVEL: 0.96 (>=0.6, sensitivity 0.68 and specificity 0.92); 3Cnet: 0.84 (>=0.6, sensitivity 0.72 and precision 0.9)]. A different missense change at the same codon (p.Gly1000Arg) has been reported as pathogenic/likely pathogenic with strong evidence (ClinVar ID: VCV001066338).The variant has been reported as benign without evidence for the classification (ClinVar ID: VCV000024582). However, the variant has been reported with similar symptom of patient (PMID: 19937058). Therefore, this variant is classified as VUS according to the recommendation of ACMG/AMP guideline.

Mendelics
Classification: Benign for X-linked Alport syndrome. Last evaluated: 2019-05-28. Review status: criteria provided, single submitter. Criteria: Mendelics Assertion Criteria 2017. Collection method: clinical testing. Allele origin: unknown.

NM_033380.3(COL4A5):c.2999G>T (p.Gly1000Val)

Gene: COL4A5 (collagen type IV alpha 5 chain; plus strand). Cytogenetic location: Xq22.3.
Variant type: single nucleotide variant.
Coding change: c.2999G>T on transcript NM_033380.3 (MANE Select); coding-DNA position 2999, G replaced by T.
Protein change: p.Gly1000Val; replaces glycine 1000 with valine.
Molecular consequence: missense variant.
Genome position (GRCh38, 1-based): chrX:108,624,317, G>T. VCF-style: chrX-108624317-G-T. GRCh37 (hg19) VCF-style: chrX-107867547-G-T.
Other names: c.2999G>T, p.Gly1000Val (NM_000495.5); short protein forms G1000V.
Identifiers: ClinVar variation 24582 (VCV000024582.5), dbSNP rs281874709, ClinGen allele CA258787.